The following is an entry in ClinVar:

ClinVar aggregate classification (germline): Pathogenic/Likely pathogenic. Review status: criteria provided, multiple submitters, no conflicts (2 of 4 stars). 15 submissions from 15 submitters: Pathogenic (13); Likely pathogenic (1). 1 of the submissions does not count toward it. Last evaluated 2026-08-03.

Conditions:
BTD-related disorder. Also called: BTD-related condition.
Biotinidase deficiency. Also called: Biotin deficiency; BTD deficiency; Late-onset biotin-responsive multiple carboxylase deficiency. Identifiers: Orphanet 79241, MedGen C0220754, MONDO:0009665, OMIM 253260.

Allele frequency attached by ClinVar (database versions not stated): gnomAD exomes 0.00001 and 0.00002; gnomAD 0.00004; TOPMed 0.00004.

Submissions (15):

PreventionGenetics, part of Exact Sciences
Classification: Pathogenic for BTD-related condition. Last evaluated: 2026-08-03. Review status: criteria provided, single submitter. Criteria: ACMG Guidelines, 2015. Collection method: clinical testing. Allele origin: germline.
Comment: The BTD c.933delT variant is predicted to result in a frameshift and premature protein termination (p.Ser311Argfs*23). This variant has been reported in the compound heterozygous state in several unrelated individuals to be causative for biotinidase deficiency (Pomponio et al. 1997. PubMed ID: 9396567; Wolf et al. 2017. PubMed ID: 27657684). This variant is also reported in ClinVar as pathogenic by the majority of submitters (ClinVar ID: 25052). This variant is interpreted as pathogenic for autosomal recessive BTD-related disorders.

Labcorp Genetics (formerly Invitae), Labcorp
Classification: Pathogenic for Biotinidase deficiency. Last evaluated: 2025-12-21. Review status: criteria provided, single submitter. Criteria: Invitae Variant Classification Sherloc (09022015). Collection method: clinical testing. Allele origin: germline.
Comment: This sequence change creates a premature translational stop signal (p.Ser311Argfs*23) in the BTD gene. While this is not anticipated to result in nonsense mediated decay, it is expected to disrupt the last 233 amino acid(s) of the BTD protein. This variant is present in population databases (rs397514395, gnomAD 0.002%). This premature translational stop signal has been observed in individual(s) with biotinidase deficiency (PMID: 9396567, 10400129, 12359137, 17185019, 22698809, 25174816, 27657684). ClinVar contains an entry for this variant (Variation ID: 25052). For these reasons, this variant has been classified as Pathogenic.

Genomic Medicine Center of Excellence, King Faisal Specialist Hospital and Research Centre
Classification: Pathogenic for Biotinidase deficiency. Last evaluated: 2025-09-10. Review status: criteria provided, single submitter. Criteria: ACMG Guidelines, 2015. Collection method: clinical testing. Allele origin: germline.

Natera, Inc.
Classification: Pathogenic for Biotinidase deficiency. Last evaluated: 2025-08-15. Review status: criteria provided, single submitter. Criteria: Natera Variant Classification Schema (03/2026). Collection method: clinical testing. Allele origin: germline.
Comment: The c.873delT variant in BTD is a frameshift variant predicted to shift the reading frame beginning at codon 291 and leads to a stop codon 23 codons downstream. This variant is expected to result in nonsense mediated decay, truncation, or a dysfunctional protein product. This variant is rare in the general population with a frequency below the threshold expected for the associated phenotype(s). This variant has been observed in one or more individuals affected with the associated recessive disease, as either homozygous or compound heterozygous with a second variant (PMID: 9396567). Given the available evidence, this variant is classified as Pathogenic.

Dasa
Classification: Pathogenic. Last evaluated: 2025-06-17. Review status: criteria provided, single submitter. Criteria: DASA Assertion Criteria. Collection method: clinical testing. Allele origin: germline.
Comment: NM_001370658.1(BTD):c.873del (p.Ser291ArgfsTer23) introduces a premature termination codon predicted to result in loss of normal protein function. Loss-of-function is an established mechanism of disease for this gene. This variant has been recurrently observed in affected individuals with related phenotype in a genotype context consistent with recessive disease (PMID: 25174816; PMID: 17185019; PMID: 12359137; PMID: 27657684). Multiple computational predictions support a deleterious effect on the gene or gene product. The variant is present at low frequency in population datasets. Based on the available data, this variant is classified as pathogenic.

Laboratory of Genetics, Children's Clinical University Hospital Latvia
Classification: Pathogenic. Last evaluated: 2025-02-16. Review status: criteria provided, single submitter. Criteria: ACMG Guidelines, 2015. Collection method: clinical testing. Allele origin: germline. Affected: yes.

GeneDx
Classification: Pathogenic. Last evaluated: 2025-01-27. Review status: criteria provided, single submitter. Criteria: GeneDx Variant Classification Process June 2021. Collection method: clinical testing. Allele origin: germline. Affected: yes.
Comment: Frameshift variant predicted to result in abnormal protein length as the last 233 amino acids are replaced with 22 different amino acids, and other similar variants have been reported; Not observed at significant frequency in large population cohorts (gnomAD); This variant is associated with the following publications: (PMID: 20549359, 9396567, 10400129, 27657684, 35195902, 38299772, 38523675)

Laboratorio de Genetica e Diagnostico Molecular, Hospital Israelita Albert Einstein
Classification: Pathogenic for Biotinidase deficiency. Last evaluated: 2024-10-11. Review status: criteria provided, single submitter. Criteria: ACMG Guidelines, 2015. Collection method: clinical testing. Allele origin: germline. Affected: yes.
Comment: ACMG classification criteria: PVS1 strong, PM2 supporting, PM3 very strong

ARUP Laboratories, Molecular Genetics and Genomics, ARUP Laboratories
Classification: Pathogenic for Biotinidase deficiency. Last evaluated: 2024-05-29. Review status: criteria provided, single submitter. Criteria: ARUP Molecular Germline Variant Investigation Process 2024. Collection method: clinical testing. Allele origin: germline.
Comment: The BTD c.873del; Ser291ArgfsTer23 variant (rs397514395; ClinVar Variation ID: 25052), also known as c.933delT; p.Ser311fs in traditional nomenclature, is reported in the literature in the compound heterozygous state in multiple individuals affected with profound or partial biotinidase deficiency (Borsatto 2014, Milankovics 2007, Pomponio 1997, Wolf 2002, Wolf 2017). This variant is found on only three chromosomes in the Genome Aggregation Database (v2.1.1), indicating it is not a common polymorphism. This variant causes a frameshift by deleting a single nucleotide in the last exon of the BTD gene. While this is not expected to lead to nonsense-mediated decay, this is predicted to result in a truncated protein lacking the last 233 amino acids of the BTD protein. Based on available information, this variant is considered to be pathogenic. References: Borsatto T et al. Biotinidase deficiency: clinical and genetic studies of 38 Brazilian patients. BMC Med Genet. 2014;15:96. PMID: 25174816. Milankovics I et al. Mutations causing biotinidase deficiency in children ascertained by newborn screening in Western Hungary. Mol Genet Metab. 2007;90(3):345-348. PMID: 17185019. Pomponio RJ et al. Mutations in the human biotinidase gene that cause profound biotinidase deficiency in symptomatic children: molecular, biochemical, and clinical analysis. Pediatr Res. 1997;42(6):840-848. PMID: 9396567 Wolf B et al. Seventeen novel mutations that cause profound biotinidase deficiency. Mol Genet Metab. 2002;77(1-2):108-111. PMID: 12359137. Wolf B. Successful outcomes of older adolescents and adults with profound biotinidase deficiency identified by newborn screening. Genet Med. 2017;19(4):396-402. PMID: 27657684.

Baylor Genetics
Classification: Pathogenic for Biotinidase deficiency. Last evaluated: 2024-03-19. Review status: criteria provided, single submitter. Criteria: ACMG Guidelines, 2015. Collection method: clinical testing. Allele origin: unknown.

Revvity Omics, Revvity
Classification: Pathogenic for Biotinidase deficiency. Last evaluated: 2023-06-01. Review status: criteria provided, single submitter. Criteria: ACMG Guidelines, 2015. Collection method: clinical testing. Allele origin: germline.

Fulgent Genetics
Classification: Likely pathogenic for Biotinidase deficiency. Last evaluated: 2021-11-24. Review status: criteria provided, single submitter. Criteria: ACMG Guidelines, 2015. Collection method: clinical testing. Allele origin: unknown.

CeGaT Center for Human Genetics Tuebingen
Classification: Pathogenic. Last evaluated: 2021-03-01. Review status: criteria provided, single submitter. Criteria: CeGaT Center For Human Genetics Tuebingen Variant Classification Criteria Version 2. Collection method: clinical testing. Allele origin: germline. Affected: yes. Observed: 2 variant alleles.

Eurofins Ntd Llc (ga)
Classification: Pathogenic. Last evaluated: 2016-06-20. Review status: criteria provided, single submitter. Criteria: EGL Classification Definitions. Collection method: clinical testing. Allele origin: germline. Observed: 4 variant alleles, 4 heterozygotes.

Counsyl
Classification: Likely pathogenic for Biotinidase deficiency. Last evaluated: 2014-06-09. Review status: no assertion criteria provided. Collection method: literature only. Allele origin: unknown. Inheritance: Autosomal recessive inheritance. Not counted in ClinVar's aggregate classification.

Literature cited by the submitters: PubMed 9396567 (cited by 3 submitters); PubMed 10400129 (cited by Labcorp Genetics (formerly Invitae), Labcorp); PubMed 12359137 (cited by 3 submitters); PubMed 17185019 (cited by 3 submitters); PubMed 22698809 (cited by Labcorp Genetics (formerly Invitae), Labcorp and Counsyl); PubMed 25174816 (cited by Labcorp Genetics (formerly Invitae), Labcorp and Dasa); PubMed 27657684 (cited by Labcorp Genetics (formerly Invitae), Labcorp and Dasa); PubMed 20549359 (cited by Counsyl).

NM_001370658.1(BTD):c.873del (p.Ser291fs)

Gene: BTD (biotinidase; plus strand). Cytogenetic location: 3p25.1.
Variant type: Deletion.
Coding change: c.873del on transcript NM_001370658.1 (MANE Select); coding-DNA position 873, one base deleted (T; older notation c.873delT).
Protein change: p.Ser291fs; shifts the reading frame from serine 291.
Molecular consequence: frameshift variant. On other transcripts: intron variant (6).
Genome position (GRCh38, 1-based): chr3:15,644,789, T deleted. VCF-style (leftmost placement, unchanged base first): chr3-15644788-GT-G. GRCh37 (hg19) VCF-style: chr3-15686295-GT-G.
Other names: c.933delT (NM_000060.2, NM_000060.4); c.933del (NM_000060.4, NM_000060.2); c.873del, p.Ser291fs (NM_001281723.4, NM_001281724.3, NM_001281725.3 and 18 more transcripts); c.399+2732del (NM_001370753.1, NM_001407400.1, NM_001407380.1 and 3 more transcripts); c.873del (NM_001281723.3); short protein forms S291fs.
Identifiers: ClinVar variation 25052 (VCV000025052.73), dbSNP rs397514395, ClinGen allele CA278280.